The following is an entry in ClinVar:

NM_004429.5(EFNB1):c.406+4A>G

Gene: EFNB1 (ephrin B1; plus strand). Cytogenetic location: Xq13.1.
Variant type: single nucleotide variant.
Coding change: c.406+4A>G on transcript NM_004429.5 (MANE Select); 4 bases into the intron after coding-DNA position 406, A replaced by G.
Molecular consequence: intron variant.
Genome position (GRCh38, 1-based): chrX:68,838,898, A>G. VCF-style: chrX-68838898-A-G. GRCh37 (hg19) VCF-style: chrX-68058741-A-G.
Other names: NM_004429.5:c.406+4A>G.
Identifiers: ClinVar variation 2500875 (VCV002500875.1), dbSNP rs2519538425, ClinGen allele CA2573332206.

ClinVar aggregate classification (germline): Uncertain significance (1 of 4 stars; one submission).

Conditions:
Craniofrontonasal syndrome (CFNS). Also called: CRANIOFRONTONASAL DYSOSTOSIS. Identifiers: Orphanet 1520, MedGen C0220767, MONDO:0010570, OMIM 304110.

Submission:

Broad Center for Mendelian Genomics, Broad Institute of MIT and Harvard
Classification: Uncertain significance for Craniofrontonasal syndrome. Last evaluated: 2023-05-02. Review status: criteria provided, single submitter. Criteria: ACMG Guidelines, 2015. Collection method: curation. Allele origin: germline. Inheritance: Autosomal recessive inheritance.
Comment: Trio exome analysis showed this variant to be de novo. The c.406+4A>G variant in EFNB1 has not been previously reported in individuals with craniofrontonasal dysplasia. This variant was absent from large population studies. This variant is located in the 5' splice region. Computational tools do suggest an impact to splicing. However, this information is not predictive enough to determine pathogenicity. In summary, the clinical significance of the c.406+4A>G variant is uncertain. ACMG/AMP Criteria applied: PS2_Supporting, PM2_Supporting, PP3 (Richards 2015).